The following is an entry in ClinVar:

ClinVar aggregate classification (germline): Pathogenic (1 of 4 stars; one submission).

Conditions:
Hereditary nonpolyposis colorectal neoplasms. Identifiers: MedGen C0009405, MeSH D003123.

Submission:

Labcorp Genetics (formerly Invitae), Labcorp
Classification: Pathogenic for Hereditary nonpolyposis colorectal neoplasms. Last evaluated: 2025-09-02. Review status: criteria provided, single submitter. Criteria: Invitae Variant Classification Sherloc (09022015). Collection method: clinical testing. Allele origin: germline.
Comment: This sequence change creates a premature translational stop signal (p.Thr1284Ilefs*6) in the MSH6 gene. It is expected to result in an absent or disrupted protein product. Loss-of-function variants in MSH6 are known to be pathogenic (PMID: 18269114, 24362816). This variant is not present in population databases (gnomAD no frequency). This premature translational stop signal has been observed in individual(s) with clinical features of MSH6-related conditions (internal data). Algorithms developed to predict the effect of sequence changes on RNA splicing suggest that this variant may disrupt the consensus splice site. For these reasons, this variant has been classified as Pathogenic.

Literature cited by the submitters: PubMed 18269114; PubMed 24362816.

NM_000179.3(MSH6):c.3851delinsTTAAT (p.Thr1284fs)

Gene: MSH6 (mutS homolog 6; plus strand). Cytogenetic location: 2p16.3.
Variant type: Indel.
Coding change: c.3851delinsTTAAT on transcript NM_000179.3 (MANE Select); coding-DNA position 3851, C replaced by TTAAT.
Protein change: p.Thr1284fs; shifts the reading frame from threonine 1284.
Molecular consequence: frameshift variant.
Genome position (GRCh38, 1-based): chr2:47,806,501, C replaced by TTAAT. VCF-style: chr2-47806501-C-TTAAT. GRCh37 (hg19) VCF-style: chr2-48033640-C-TTAAT.
Other names: c.3461delinsTTAAT, p.Thr1154fs (NM_001281492.2); c.2945delinsTTAAT, p.Thr982fs (NM_001281493.2, NM_001281494.2); short protein forms T1154fs, T982fs, T1284fs.
Identifiers: ClinVar variation 455298 (VCV000455298.5), dbSNP rs1553333438, ClinGen allele CA658655755.